The following is an entry in ClinVar:

ClinVar aggregate classification (germline): Uncertain significance (1 of 4 stars; one submission).

Submission:

Labcorp Genetics (formerly Invitae), Labcorp
Classification: Uncertain significance. Last evaluated: 2022-07-12. Review status: criteria provided, single submitter. Criteria: Invitae Variant Classification Sherloc (09022015). Collection method: clinical testing. Allele origin: germline.
Comment: This sequence change replaces serine, which is neutral and polar, with phenylalanine, which is neutral and non-polar, at codon 3275 of the VPS13D protein (p.Ser3275Phe). This variant is not present in population databases (gnomAD no frequency). This variant has not been reported in the literature in individuals affected with VPS13D-related conditions. ClinVar contains an entry for this variant (Variation ID: 1446759). Algorithms developed to predict the effect of missense changes on protein structure and function are either unavailable or do not agree on the potential impact of this missense change (SIFT: "Deleterious"; PolyPhen-2: "Probably Damaging"; Align-GVGD: "Class C0"). In summary, the available evidence is currently insufficient to determine the role of this variant in disease. Therefore, it has been classified as a Variant of Uncertain Significance.

NM_015378.4(VPS13D):c.9824C>T (p.Ser3275Phe)

Gene: VPS13D (vacuolar protein sorting 13 homolog D; plus strand). Cytogenetic location: 1p36.22.
Variant type: single nucleotide variant.
Coding change: c.9824C>T on transcript NM_015378.4 (MANE Select); coding-DNA position 9824, C replaced by T.
Protein change: p.Ser3275Phe; replaces serine 3275 with phenylalanine.
Molecular consequence: missense variant.
Genome position (GRCh38, 1-based): chr1:12,356,043, C>T. VCF-style: chr1-12356043-C-T. GRCh37 (hg19) VCF-style: chr1-12416100-C-T.
Other names: c.9749C>T, p.Ser3250Phe (NM_018156.4); short protein forms S3250F, S3275F.
Identifiers: ClinVar variation 1446759 (VCV001446759.9), dbSNP rs1008059971, ClinGen allele CA338495338.